The following is an entry in ClinVar:

NM_032043.3(BRIP1):c.1473+1G>T

Gene: BRIP1 (BRCA1 interacting DNA helicase 1; minus strand). Cytogenetic location: 17q23.2.
Variant type: single nucleotide variant.
Coding change: c.1473+1G>T on transcript NM_032043.3 (MANE Select); the canonical splice donor site of the intron after coding-DNA position 1473, G replaced by T.
Molecular consequence: splice donor variant.
Genome position (GRCh38, 1-based): chr17:61,793,596, C>A on the plus strand (G>T on the coding strand, the complement: BRIP1 is on the minus strand). VCF-style: chr17-61793596-C-A. GRCh37 (hg19) VCF-style: chr17-59870957-C-A.
Identifiers: ClinVar variation 1518822 (VCV001518822.9), dbSNP rs748274524, ClinGen allele CA8690739.

ClinVar aggregate classification (germline): Likely pathogenic. Review status: criteria provided, multiple submitters, no conflicts (2 of 4 stars). 3 submissions from 3 submitters: Likely pathogenic (3). Last evaluated 2025-05-09.

Conditions:
Hereditary cancer-predisposing syndrome. Also called: Neoplastic Syndromes, Hereditary; Hereditary Cancer Syndrome; Tumor predisposition; Hereditary neoplastic syndrome. Identifiers: Orphanet 140162, MedGen C0027672, MeSH D009386, MONDO:0015356.
Familial cancer of breast. Also called: hereditary breast carcinoma; Hereditary breast cancer; BREAST CANCER, FAMILIAL. Identifiers: Orphanet 227535, MedGen C0346153, MONDO:0016419, OMIM 114480. Disease mechanism: loss of function.
Fanconi anemia complementation group J. Also called: BRIP1-Related Fanconi Anemia. Identifiers: Orphanet 84, MedGen C1836860, MONDO:0012187, OMIM 609054.

Allele frequency attached by ClinVar (database versions not stated): ExAC 0.00001.
gnomAD v4.1: 1 of 1,602,604 alleles (0.000062%); highest among the groups gnomAD compares: Non-Finnish European, 0.000085%; no homozygotes.

Submissions (3):

Ambry Genetics
Classification: Likely pathogenic for Hereditary cancer-predisposing syndrome. Last evaluated: 2025-05-09. Review status: criteria provided, single submitter. Criteria: Ambry Variant Classification Scheme 2023. Collection method: clinical testing. Allele origin: germline.
Comment: The c.1473+1G>T intronic variant results from a G to T substitution one nucleotide after coding exon 9 of the BRIP1 gene. This nucleotide position is highly conserved in available vertebrate species. In silico splice site analysis predicts that this alteration will weaken the native splice donor site; however, direct evidence is insufficient at this time (Ambry internal data). Alterations that disrupt the canonical splice site are expected to cause aberrant splicing, resulting in an abnormal protein or a transcript that is subject to nonsense-mediated mRNA decay. As such, this alteration is classified as likely pathogenic.

Women's Health and Genetics/Laboratory Corporation of America, LabCorp
Classification: Likely pathogenic for Fanconi anemia complementation group J. Last evaluated: 2022-11-29. Review status: criteria provided, single submitter. Criteria: LabCorp Variant Classification Summary - May 2015. Collection method: clinical testing. Allele origin: germline.
Comment: Variant summary: BRIP1 c.1473+1G>T is located in a canonical splice-site and is predicted to affect mRNA splicing resulting in a significantly altered protein due to either exon skipping, shortening, or inclusion of intronic material. Several computational tools predict a significant impact on normal splicing: Four predict the variant abolishes a 5' splicing donor site. However, these predictions have yet to be confirmed by functional studies. The variant allele was found at a frequency of 4.2e-06 in 237976 control chromosomes. To our knowledge, no occurrence of c.1473+1G>T in individuals affected with BRIP1-Related Disorders and no experimental evidence demonstrating its impact on protein function have been reported. One clinical diagnostic laboratory has submitted clinical-significance assessments for this variant to ClinVar after 2014 and classified the variant as likely pathogenic. Based on the evidence outlined above, the variant was classified as likely pathogenic.

Labcorp Genetics (formerly Invitae), Labcorp
Classification: Likely pathogenic for Familial cancer of breast; Fanconi anemia complementation group J. Last evaluated: 2021-09-24. Review status: criteria provided, single submitter. Criteria: Invitae Variant Classification Sherloc (09022015). Collection method: clinical testing. Allele origin: germline.
Comment: In summary, the currently available evidence indicates that the variant is pathogenic, but additional data are needed to prove that conclusively. Therefore, this variant has been classified as Likely Pathogenic. Algorithms developed to predict the effect of sequence changes on RNA splicing suggest that this variant may disrupt the consensus splice site. This variant has not been reported in the literature in individuals affected with BRIP1-related conditions. This variant is present in population databases (rs748274524, ExAC 0.002%). This sequence change affects a donor splice site in intron 10 of the BRIP1 gene. It is expected to disrupt RNA splicing. Variants that disrupt the donor or acceptor splice site typically lead to a loss of protein function (PMID: 16199547), and loss-of-function variants in BRIP1 are known to be pathogenic (PMID: 16116423, 17033622, 21964575).

Literature cited by the submitters: PubMed 16199547 (cited by Labcorp Genetics (formerly Invitae), Labcorp); PubMed 16116423 (cited by Labcorp Genetics (formerly Invitae), Labcorp); PubMed 17033622 (cited by Labcorp Genetics (formerly Invitae), Labcorp); PubMed 21964575 (cited by Labcorp Genetics (formerly Invitae), Labcorp).